The following is an entry in ClinVar:

NM_153676.4(USH1C):c.1508_1509dup (p.Ala504fs)

Gene: USH1C (USH1 protein network component harmonin; minus strand). Cytogenetic location: 11p15.1.
Variant type: Microsatellite.
Coding change: c.1508_1509dup on transcript NM_153676.4 (MANE Select); coding-DNA positions 1508 to 1509, 2 bases duplicated (CT; older notation c.1508_1509dupCT).
Protein change: p.Ala504fs; shifts the reading frame from alanine 504.
Molecular consequence: frameshift variant. On other transcripts: intron variant (2).
Genome position (GRCh38, 1-based): chr11:17,510,426-17,510,427, AG duplicated on the plus strand (CT on the coding strand, the reverse complement: USH1C is on the minus strand); duplicating any 2 consecutive bases within chr11:17,510,426-17,510,429 gives the same sequence; the c. name uses the placement nearest the transcript's 3' end. VCF-style (leftmost placement, unchanged base first): chr11-17510425-C-CAG. GRCh37 (hg19) VCF-style: chr11-17531972-C-CAG.
Other names: c.1227+6972CT[3] (NM_001297764.2); c.1284+6972CT[3] (NM_005709.4); short protein forms A504fs.
Identifiers: ClinVar variation 3601012 (VCV003601012.1).

ClinVar aggregate classification (germline): Likely pathogenic (1 of 4 stars; one submission).

Conditions:
Autosomal recessive nonsyndromic hearing loss 18A. Also called: DEAFNESS, AUTOSOMAL RECESSIVE 18; Deafness, autosomal recessive 18A. Identifiers: Orphanet 90636, MedGen C1865870, MONDO:0011192, OMIM 602092.

Submission:

Institute of Rare Diseases, West China Hospital, Sichuan University
Classification: Likely pathogenic for Autosomal recessive nonsyndromic hearing loss 18A. Last evaluated: 2025-01-09. Review status: criteria provided, single submitter. Criteria: ClinGen HL ACMG Specifications v1. Collection method: research. Allele origin: germline. Affected: yes.
Comment: PVS1;PM2_Supporting